The following is an entry in ClinVar:

ClinVar aggregate classification (germline): Pathogenic. Review status: criteria provided, single submitter (1 of 4 stars). 2 submissions from 2 submitters: Pathogenic (1). 1 of the submissions does not count toward it. Last evaluated 2023-12-31.

Conditions:
Achromatopsia 3 (ACHM3). Also called: PINGELAPESE BLINDNESS; ACHROMATOPSIA WITH MYOPIA; TOTAL COLORBLINDNESS WITH MYOPIA; ROD MONOCHROMACY 1; ROD MONOCHROMATISM 1. Identifiers: Orphanet 49382, MedGen C1849792, MONDO:0009875, OMIM 262300.

Submissions (2):

Labcorp Genetics (formerly Invitae), Labcorp
Classification: Pathogenic. Last evaluated: 2023-12-31. Review status: criteria provided, single submitter. Criteria: Invitae Variant Classification Sherloc (09022015). Collection method: clinical testing. Allele origin: germline.
Comment: This sequence change creates a premature translational stop signal (p.Ile420Metfs*6) in the CNGB3 gene. It is expected to result in an absent or disrupted protein product. Loss-of-function variants in CNGB3 are known to be pathogenic (PMID: 28795510). This variant is not present in population databases (gnomAD no frequency). This premature translational stop signal has been observed in individual(s) with clinical features of CNGB3-related conditions (PMID: 32581362). ClinVar contains an entry for this variant (Variation ID: 370917). Algorithms developed to predict the effect of sequence changes on RNA splicing suggest that this variant may disrupt the consensus splice site. For these reasons, this variant has been classified as Pathogenic.

Counsyl
Classification: Likely pathogenic for Achromatopsia 3. Last evaluated: 2016-05-16. Review status: no assertion criteria provided. Collection method: clinical testing. Allele origin: unknown. Not counted in ClinVar's aggregate classification.

Literature cited by the submitters: PubMed 28795510 (cited by Labcorp Genetics (formerly Invitae), Labcorp); PubMed 32581362 (cited by Labcorp Genetics (formerly Invitae), Labcorp).

NM_019098.5(CNGB3):c.1260del (p.Ile420fs)

Gene: CNGB3 (cyclic nucleotide gated channel subunit beta 3; minus strand). Cytogenetic location: 8q21.3.
Variant type: Deletion.
Coding change: c.1260del on transcript NM_019098.5 (MANE Select); coding-DNA position 1260, one base deleted (T; older notation c.1260delT).
Protein change: p.Ile420fs; shifts the reading frame from isoleucine 420.
Molecular consequence: frameshift variant.
Genome position (GRCh38, 1-based): chr8:86,632,812, A deleted on the plus strand (T on the coding strand, the reverse complement: CNGB3 is on the minus strand); the first of 2 consecutive A bases (chr8:86,632,812-86,632,813); deleting either gives the same sequence. VCF-style (leftmost placement, unchanged base first): chr8-86632811-CA-C. GRCh37 (hg19) VCF-style: chr8-87645039-CA-C.
Other names: c.1260delT (NM_019098.4); short protein forms I420fs.
Identifiers: ClinVar variation 370917 (VCV000370917.7), dbSNP rs1057516866, ClinGen allele CA16041193.
Genomic context (GRCh38, chr8:86,632,811, plus strand): 5'-CCTGACCAATTAAACTGGAGAACACAAAAACTCCAGAAAAAAAATTCAAGAGTTGAAAAA[CA>C]ATTTCAAATAAAGTTTGTGGTTCTGGAAGGCCACCAATGGTAATTAAAGTTCGAACTGCC-3'